The following is an entry in ClinVar:

NM_001134831.2(AHI1):c.2560T>C (p.Cys854Arg)

Gene: AHI1 (Abelson helper integration site 1; minus strand). Cytogenetic location: 6q23.3.
Variant type: single nucleotide variant.
Coding change: c.2560T>C on transcript NM_001134831.2 (MANE Select); coding-DNA position 2560, T replaced by C.
Protein change: p.Cys854Arg; replaces cysteine 854 with arginine.
Molecular consequence: missense variant.
Genome position (GRCh38, 1-based): chr6:135,428,692, A>G on the plus strand (T>C on the coding strand, the complement: AHI1 is on the minus strand). VCF-style: chr6-135428692-A-G. GRCh37 (hg19) VCF-style: chr6-135749830-A-G.
Other names: c.2560T>C, p.Cys854Arg (NM_001134830.2, NM_001134832.2, NM_001350503.2 and 2 more transcripts); short protein forms C854R.
Identifiers: ClinVar variation 1465135 (VCV001465135.7), dbSNP rs1387769677, ClinGen allele CA365742237.

ClinVar aggregate classification (germline): Uncertain significance. Review status: criteria provided, multiple submitters, no conflicts (2 of 4 stars). 2 submissions from 2 submitters: Uncertain significance (2). Last evaluated 2022-11-22.

Conditions:
Joubert syndrome. Also called: CEREBELLOPARENCHYMAL DISORDER IV; JOUBERT-BOLTSHAUSER SYNDROME; Familial aplasia of the vermis. Identifiers: Orphanet 475, MedGen C5979921, MONDO:0018772.
Joubert syndrome 3 (JBTS3). Also called: AHI1-related Ciliopathy. Identifiers: Orphanet 220493, MedGen C1837713, MONDO:0012078, OMIM 608629.

Allele frequency attached by ClinVar (database versions not stated): TOPMed 0.00001; gnomAD 0.00002; gnomAD exomes below 0.00001 and 0.00001.
gnomAD v4.1: 4 of 1,609,012 alleles (0.00025%); highest among the groups gnomAD compares: African/African-American, 0.004%; no homozygotes.

Submissions (2):

Labcorp Genetics (formerly Invitae), Labcorp
Classification: Uncertain significance for Joubert syndrome. Last evaluated: 2022-11-22. Review status: criteria provided, single submitter. Criteria: Invitae Variant Classification Sherloc (09022015). Collection method: clinical testing. Allele origin: germline.
Comment: In summary, the available evidence is currently insufficient to determine the role of this variant in disease. Therefore, it has been classified as a Variant of Uncertain Significance. Advanced modeling of protein sequence and biophysical properties (such as structural, functional, and spatial information, amino acid conservation, physicochemical variation, residue mobility, and thermodynamic stability) performed at Invitae indicates that this missense variant is expected to disrupt AHI1 protein function. ClinVar contains an entry for this variant (Variation ID: 1465135). This variant has not been reported in the literature in individuals affected with AHI1-related conditions. This variant is present in population databases (no rsID available, gnomAD 0.007%). This sequence change replaces cysteine, which is neutral and slightly polar, with arginine, which is basic and polar, at codon 854 of the AHI1 protein (p.Cys854Arg).

Neuberg Centre For Genomic Medicine, NCGM
Classification: Uncertain significance for Joubert syndrome 3. Review status: criteria provided, single submitter. Criteria: ACMG Guidelines, 2015. Collection method: clinical testing. Allele origin: germline. Inheritance: Autosomal recessive inheritance. Affected: yes.